The following is an entry in ClinVar:

ClinVar aggregate classification (germline): Benign. Review status: criteria provided, multiple submitters, no conflicts (2 of 4 stars). 3 submissions from 3 submitters: Benign (2). 1 of the submissions does not count toward it. Last evaluated 2018-06-09.

Conditions:
FAT3-related disorder. Also called: FAT3-related condition.

Allele frequency attached by ClinVar (database versions not stated): 1000 Genomes Project 30x 0.00406; 1000 Genomes Project 0.00419; ExAC 0.00783; TOPMed 0.00794; gnomAD 0.00796 and 0.00812; gnomAD exomes 0.00829 and 0.01111; ESP Exome Variant Server 0.01039.
gnomAD v4.1: 17,394 of 1,613,922 alleles (1.1%); highest among the groups gnomAD compares: Non-Finnish European, 1.3%; 126 homozygotes.

Submissions (3):

Labcorp Genetics (formerly Invitae), Labcorp
Classification: Benign. Last evaluated: 2018-06-09. Review status: criteria provided, single submitter. Criteria: Invitae Variant Classification Sherloc (09022015). Collection method: clinical testing. Allele origin: germline.

Breakthrough Genomics
Classification: Benign. Review status: criteria provided, single submitter. Criteria: ACMG Guidelines, 2015. Collection method: not provided. Allele origin: germline. Inheritance: Unknown mechanism. Affected: yes.

PreventionGenetics, part of Exact Sciences
Classification: Benign for FAT3-related condition. Last evaluated: 2019-02-21. Review status: no assertion criteria provided. Collection method: clinical testing. Allele origin: germline. Not counted in ClinVar's aggregate classification.
Comment: This variant is classified as benign based on ACMG/AMP sequence variant interpretation guidelines (Richards et al. 2015 PMID: 25741868, with internal and published modifications).

NM_001367949.2(FAT3):c.11126G>T (p.Ser3709Ile)

Gene: FAT3 (FAT atypical cadherin 3; plus strand). Cytogenetic location: 11q14.3.
Variant type: single nucleotide variant.
Coding change: c.11126G>T on transcript NM_001367949.2 (MANE Select); coding-DNA position 11126, G replaced by T.
Protein change: p.Ser3709Ile; replaces serine 3709 with isoleucine.
Molecular consequence: missense variant.
Genome position (GRCh38, 1-based): chr11:92,844,493, G>T. VCF-style: chr11-92844493-G-T. GRCh37 (hg19) VCF-style: chr11-92577659-G-T.
Other names: c.11126G>T, p.Ser3709Ile (NM_001008781.3); short protein forms S3709I.
Identifiers: ClinVar variation 710968 (VCV000710968.6), dbSNP rs75081660, ClinGen allele CA6228262.
Genomic context (GRCh38, chr11:92,844,493, plus strand): 5'-GCATCCAGCCCGTGGCAGGCACCAACCAACTGGACATGCTGTTTGCGGTGGAGATGCACA[G>T]CAGCGAGTTCTACAAGCCAGCCTACCTGATCCAGAAGCTGTCCAATGCTAGAAGACACCT-3'
Protein context (NP_001354878.1, residues 3699-3719): LDMLFAVEMH[Ser3709Ile]SEFYKPAYLI